The following is an entry in ClinVar:

NM_000228.3(LAMB3):c.285G>A (p.Trp95Ter)

Gene: LAMB3 (laminin subunit beta 3; minus strand). Cytogenetic location: 1q32.2.
Variant type: single nucleotide variant.
Coding change: c.285G>A on transcript NM_000228.3 (MANE Select); coding-DNA position 285, G replaced by A.
Protein change: p.Trp95Ter; replaces tryptophan 95 with a stop codon.
Molecular consequence: nonsense.
Genome position (GRCh38, 1-based): chr1:209,638,547, C>T on the plus strand (G>A on the coding strand, the complement: LAMB3 is on the minus strand). VCF-style: chr1-209638547-C-T. GRCh37 (hg19) VCF-style: chr1-209811892-C-T.
Other names: c.285G>A, p.Trp95Ter (NM_001017402.2, NM_001127641.1); short protein forms W95*.
Identifiers: ClinVar variation 620137 (VCV000620137.5), dbSNP rs1558163550, ClinGen allele CA344597582.
Genomic context (GRCh38, chr1:209,638,547, plus strand): 5'-CTGTGGAGGCTGTACAGTTTGAGTTCCCGTAGATGGCAAATGCTCACCATTCTGTGACTG[C>T]CACCAGCGCATGGGGCCGGAGGATGAAGCCACATTCTCTACTCGGTGACTGTAGTAGTTG-3'

ClinVar aggregate classification (germline): Pathogenic. Review status: criteria provided, multiple submitters, no conflicts (2 of 4 stars). 4 submissions from 4 submitters: Pathogenic (4). Last evaluated 2026-01-24.

Conditions:
LAMB3-related disorder. Also called: LAMB3-related condition.
Junctional epidermolysis bullosa gravis of Herlitz. Also called: Epidermolysis Bullosa Letalis; Herlitz-type junctional epidermolysis bullosa; EPIDERMOLYSIS BULLOSA, JUNCTIONAL 1B, SEVERE; EPIDERMOLYSIS BULLOSA JUNCTIONALIS, HERLITZ TYPE; EPIDERMOLYSIS BULLOSA, JUNCTIONAL, HERLITZ-PEARSON TYPE; JEB-HERLITZ TYPE. Identifiers: Orphanet 79404, MedGen C0079683, MONDO:0009182, OMIM 226700.
Junctional epidermolysis bullosa, non-Herlitz type. Also called: Adult junctional epidermolysis bullosa; EPIDERMOLYSIS BULLOSA, JUNCTIONAL 1A, INTERMEDIATE; EPIDERMOLYSIS BULLOSA JUNCTIONALIS, DISENTIS TYPE; EPIDERMOLYSIS BULLOSA JUNCTIONALIS, NON-HERLITZ TYPE; EPIDERMOLYSIS BULLOSA JUNCTIONALIS, PROGRESSIVE; EPIDERMOLYSIS BULLOSA JUNCTIONALIS, SEVERE NONLETHAL. Identifiers: Orphanet 251393, Orphanet 79402, Orphanet 79405, Orphanet 89840, MedGen C0268374, MONDO:0009180, OMIM 226650.
Amelogenesis imperfecta type 1A. Also called: Amelogenesis imperfecta, type IA; AMELOGENESIS IMPERFECTA, HYPOPLASTIC TYPE IA; Amelogenesis imperfecta local hypoplastic; Amelogenesis imperfecta, hypoplastic type. Identifiers: Orphanet 88661, MedGen C4011403, MONDO:0007094, OMIM 104530.

Allele frequency attached by ClinVar (database versions not stated): gnomAD exomes below 0.00001; gnomAD 0.00001; TOPMed 0.00001.
gnomAD v4.1: 3 of 1,609,966 alleles (0.00019%); highest among the groups gnomAD compares: Non-Finnish European, 0.00026%; no homozygotes.

Submissions (4):

Labcorp Genetics (formerly Invitae), Labcorp
Classification: Pathogenic. Last evaluated: 2026-01-24. Review status: criteria provided, single submitter. Criteria: Invitae Variant Classification Sherloc (09022015). Collection method: clinical testing. Allele origin: germline.
Comment: This sequence change creates a premature translational stop signal (p.Trp95*) in the LAMB3 gene. It is expected to result in an absent or disrupted protein product. Loss-of-function variants in LAMB3 are known to be pathogenic (PMID: 11023379, 16473856). This variant is not present in population databases (gnomAD no frequency). This premature translational stop signal has been observed in individual(s) with LAMB3-related conditions (PMID: 10660342). ClinVar contains an entry for this variant (Variation ID: 620137). For these reasons, this variant has been classified as Pathogenic.

GeneDx
Classification: Pathogenic. Last evaluated: 2025-03-17. Review status: criteria provided, single submitter. Criteria: GeneDx Variant Classification Process June 2021. Collection method: clinical testing. Allele origin: germline. Affected: yes.
Comment: Nonsense variant predicted to result in protein truncation or nonsense mediated decay in a gene for which loss of function is a known mechanism of disease; Not observed at significant frequency in large population cohorts (gnomAD); This variant is associated with the following publications: (PMID: 25525159, 21198797, 10660342, 16473856)

Fulgent Genetics
Classification: Pathogenic for Amelogenesis imperfecta type 1A; Junctional epidermolysis bullosa, non-Herlitz type; Junctional epidermolysis bullosa gravis of Herlitz. Last evaluated: 2024-03-24. Review status: criteria provided, single submitter. Criteria: ACMG Guidelines, 2015. Collection method: clinical testing. Allele origin: germline.

Blueprint Genetics
Classification: Pathogenic for LAMB3-related disorders. Last evaluated: 2020-05-18. Review status: criteria provided, single submitter. Criteria: ACMG Guidelines, 2015. Collection method: clinical testing. Allele origin: germline. Affected: yes. Observed: 2 variant alleles.

Literature cited by the submitters: PubMed 11023379 (cited by Labcorp Genetics (formerly Invitae), Labcorp); PubMed 16473856 (cited by Labcorp Genetics (formerly Invitae), Labcorp); PubMed 10660342 (cited by Labcorp Genetics (formerly Invitae), Labcorp).